The following is an entry in ClinVar:

ClinVar aggregate classification (germline): Conflicting classifications of pathogenicity. Review status: criteria provided, conflicting classifications (1 of 4 stars). 3 submissions from 2 submitters: Uncertain significance (1); Benign (2). Last evaluated 2024-11-11.

Conditions:
Gonadotropin-independent familial sexual precocity. Also called: TESTOTOXICOSIS, FAMILIAL; Familial male-limited precocious puberty. Identifiers: Orphanet 3000, MedGen C0342549, MONDO:0008303, OMIM 176410.
Leydig cell agenesis. Also called: LEYDIG CELL HYPOPLASIA WITH MALE PSEUDOHERMAPHRODITISM; LEYDIG CELL HYPOPLASIA, COMPLETE; HYPERGONADOTROPIC HYPOGONADISM, MALE, DUE TO LHCGR DEFECT; Leydig cell hypoplasia, type 1. Identifiers: MedGen C0266432, MONDO:0009384, OMIM 238320.

Allele frequency attached by ClinVar (database versions not stated): ExAC 0.00025; gnomAD exomes 0.00026; ESP Exome Variant Server 0.00054; 1000 Genomes Project 0.00060; gnomAD 0.00070 and 0.00075; 1000 Genomes Project 30x 0.00078; TOPMed 0.00088.
gnomAD v4.1: 222 of 1,614,162 alleles (0.014%); highest among the groups gnomAD compares: African/African-American, 0.27%; 1 homozygote.

Submissions (3):

Labcorp Genetics (formerly Invitae), Labcorp
Classification: Benign. Last evaluated: 2024-11-11. Review status: criteria provided, single submitter. Criteria: Invitae Variant Classification Sherloc (09022015). Collection method: clinical testing. Allele origin: germline.

Illumina Laboratory Services, Illumina
Classification: Benign for Gonadotropin-independent familial sexual precocity. Last evaluated: 2018-01-13. Review status: criteria provided, single submitter. Criteria: ICSL Variant Classification Criteria 13 December 2019. Collection method: clinical testing. Allele origin: germline.
Comment: This variant was observed in the ICSL laboratory as part of a predisposition screen in an ostensibly healthy population. It had not been previously curated by ICSL or reported in the Human Gene Mutation Database (HGMD: prior to June 1st, 2018), and was therefore a candidate for classification through an automated scoring system. Utilizing variant allele frequency, disease prevalence and penetrance estimates, and inheritance mode, an automated score was calculated to assess if this variant is too frequent to cause the disease. Based on the score and internal cut-off values, a variant classified as benign is not then subjected to further curation. The score for this variant resulted in a classification of benign for this disease.

Illumina Laboratory Services, Illumina
Classification: Uncertain significance for Leydig cell agenesis. Last evaluated: 2018-01-13. Review status: criteria provided, single submitter. Criteria: ICSL Variant Classification Criteria 13 December 2019. Collection method: clinical testing. Allele origin: germline.

NM_000233.4(LHCGR):c.1953T>C (p.Tyr651=)

Genes: LHCGR (luteinizing hormone/choriogonadotropin receptor; minus strand), STON1-GTF2A1L (STON1-GTF2A1L readthrough; plus strand). Cytogenetic location: 2p16.3.
Variant type: single nucleotide variant.
Coding change: c.1953T>C on transcript NM_000233.4 (MANE Select); coding-DNA position 1953, T replaced by C.
Protein change: p.Tyr651=; no amino-acid change (tyrosine 651 retained).
Molecular consequence: synonymous variant. On other transcripts: intron variant (1).
Genome position (GRCh38, 1-based): chr2:48,687,844, A>G on the plus strand (T>C on the coding strand, the complement: LHCGR is on the minus strand). VCF-style: chr2-48687844-A-G. GRCh37 (hg19) VCF-style: chr2-48914983-A-G.
Other names: c.3441+16164A>G (NM_001198593.2).
Identifiers: ClinVar variation 712503 (VCV000712503.11), dbSNP rs61996315, ClinGen allele CA1652959.